The following is an entry in ClinVar:

ClinVar aggregate classification (germline): Uncertain significance (1 of 4 stars; one submission).

Conditions:
Cardiovascular phenotype. Identifiers: MedGen CN230736.

Submission:

Ambry Genetics
Classification: Uncertain significance for Cardiovascular phenotype. Last evaluated: 2022-12-07. Review status: criteria provided, single submitter. Criteria: Ambry Variant Classification Scheme 2023. Collection method: clinical testing. Allele origin: germline.
Comment: The p.H922D variant (also known as c.2764C>G), located in coding exon 16 of the SCN10A gene, results from a C to G substitution at nucleotide position 2764. The histidine at codon 922 is replaced by aspartic acid, an amino acid with similar properties. This amino acid position is conserved. In addition, this alteration is predicted to be tolerated by in silico analysis. Since supporting evidence is limited at this time, the clinical significance of this alteration remains unclear.

NM_006514.4(SCN10A):c.2764C>G (p.His922Asp)

Gene: SCN10A (sodium voltage-gated channel alpha subunit 10; minus strand). Cytogenetic location: 3p22.2.
Variant type: single nucleotide variant.
Coding change: c.2764C>G on transcript NM_006514.4 (MANE Select); coding-DNA position 2764, C replaced by G.
Protein change: p.His922Asp; replaces histidine 922 with aspartic acid.
Molecular consequence: missense variant.
Genome position (GRCh38, 1-based): chr3:38,726,929, G>C on the plus strand (C>G on the coding strand, the complement: SCN10A is on the minus strand). VCF-style: chr3-38726929-G-C. GRCh37 (hg19) VCF-style: chr3-38768420-G-C.
Other names: c.2764C>G, p.His922Asp (NM_001293306.2); c.2470C>G, p.His824Asp (NM_001293307.2); short protein forms H922D, H824D.
Identifiers: ClinVar variation 2448837 (VCV002448837.2), dbSNP rs763764330, ClinGen allele CA352158635.
Genomic context (GRCh38, chr3:38,726,929, plus strand): 5'-TGGGCTGGGGGAATGGGCAGGACCTGCTGAAGAAGCTGCAAAGAGCCTGTTTGGTACGAT[G>C]GCCAAAGACCTGGATCCGTGCCAGGGCCACCTGCAGGTTGTTCACCTCCCCATCGTCCTC-3'
Protein context (NP_006505.4, residues 912-932): VALARIQVFG[His922Asp]RTKQALCSFF